The following is an entry in ClinVar:

NM_003970.4(MYOM2):c.52C>T (p.Gln18Ter)

Gene: MYOM2 (myomesin 2; plus strand). Cytogenetic location: 8p23.3.
Variant type: single nucleotide variant.
Coding change: c.52C>T on transcript NM_003970.4 (MANE Select); coding-DNA position 52, C replaced by T.
Protein change: p.Gln18Ter; replaces glutamine 18 with a stop codon.
Molecular consequence: nonsense.
Genome position (GRCh38, 1-based): chr8:2,050,818, C>T. VCF-style: chr8-2050818-C-T. GRCh37 (hg19) VCF-style: chr8-1998932-C-T.
Other names: short protein forms Q18*.
Identifiers: ClinVar variation 3770718 (VCV003770718.13).

ClinVar aggregate classification (germline): Likely benign (1 of 4 stars; one submission).

gnomAD v4.1: 1,216 of 1,613,596 alleles (0.075%); highest among the groups gnomAD compares: Admixed American, 0.1%; 2 homozygotes.

Submission:

CeGaT Center for Human Genetics Tuebingen
Classification: Likely benign. Last evaluated: 2025-01-01. Review status: criteria provided, single submitter. Criteria: CeGaT Center For Human Genetics Tuebingen Variant Classification Criteria Version 2. Collection method: clinical testing. Allele origin: germline. Affected: yes. Observed: 1 variant allele.
Comment: MYOM2: BS2